The following is an entry in ClinVar:

NM_012186.3(FOXE3):c.211A>G (p.Lys71Glu)

Genes: FOXE3 (forkhead box E3; plus strand), LINC01389 (long intergenic non-protein coding RNA 1389; minus strand). Cytogenetic location: 1p33.
Variant type: single nucleotide variant.
Coding change: c.211A>G on transcript NM_012186.3 (MANE Select); coding-DNA position 211, A replaced by G.
Protein change: p.Lys71Glu; replaces lysine 71 with glutamic acid.
Molecular consequence: missense variant.
Genome position (GRCh38, 1-based): chr1:47,416,526, A>G. VCF-style: chr1-47416526-A-G. GRCh37 (hg19) VCF-style: chr1-47882198-A-G.
Other names: short protein forms K71E.
Identifiers: ClinVar variation 3341332 (VCV003341332.1).

ClinVar aggregate classification (germline): Uncertain significance (1 of 4 stars; one submission).

Conditions:
Congenital primary aphakia. Also called: ANTERIOR SEGMENT DYSGENESIS 2; Anterior segment dysgenesis 2, multiple subtypes. Identifiers: Orphanet 83461, MedGen C1853230, MONDO:0012456, OMIM 610256.

Submission:

Neuberg Centre For Genomic Medicine, NCGM
Classification: Uncertain significance for Congenital primary aphakia. Last evaluated: 2023-05-20. Review status: criteria provided, single submitter. Criteria: ACMG Guidelines, 2015. Collection method: clinical testing. Allele origin: germline. Inheritance: Autosomal recessive inheritance. Affected: yes.
Comment: The observed missense variant c.211A>G (p.Lys71Glu) in FOXE3 gene has not been reported previously as a pathogenic variant nor as a benign variant, to our knowledge. The p.Lys71Glu variant is absent in gnomAD Exomes. This variant has not been submitted to the ClinVar database. Multiple lines of computational evidence (Polyphen - Damaging, SIFT - Damaging and Mutation Taster - Disease causing) predict a damaging effect on protein structure and function for this variant. The amino acid change p.Lys71Glu in FOXE3 is predicted as conserved by GERP++ and PhyloP across 100 vertebrates. The amino acid Lys at position 71 is changed to a Glu changing protein sequence and it might alter its composition and physico-chemical properties. For these reasons, this variant has been classified as Variant of Uncertain Significance (VUS).